The following is an entry in ClinVar:

NM_139276.3(STAT3):c.1987_1988delinsCT (p.Thr663Leu)

Gene: STAT3 (signal transducer and activator of transcription 3; minus strand). Cytogenetic location: 17q21.2.
Variant type: Indel.
Coding change: c.1987_1988delinsCT on transcript NM_139276.3 (MANE Select); coding-DNA positions 1987 to 1988, AC replaced by CT.
Protein change: p.Thr663Leu; replaces threonine 663 with leucine.
Molecular consequence: missense variant.
Genome position (GRCh38, 1-based): chr17:42,322,395-42,322,396, GT replaced by AG on the plus strand (AC replaced by CT on the coding strand, the reverse complement: STAT3 is on the minus strand). VCF-style: chr17-42322395-GT-AG. GRCh37 (hg19) VCF-style: chr17-40474413-GT-AG.
Other names: c.1987_1988delinsCT, p.Thr663Leu (NM_001369512.1, NM_001369513.1, NM_001369514.1 and 9 more transcripts); c.1903_1904delinsCT, p.Thr635Leu (NM_001384984.1); c.1909_1910delinsCT, p.Thr637Leu (NM_001384985.1); c.2002_2003delinsCT, p.Thr668Leu (NM_001384986.1, NM_001384990.1); c.1966_1967delinsCT, p.Thr656Leu (NM_001384987.1); c.1891_1892delinsCT, p.Thr631Leu (NM_001384989.1); c.1960_1961delinsCT, p.Thr654Leu (NM_001384991.1); c.1927_1928delinsCT, p.Thr643Leu (NM_001384992.1); short protein forms T654L, T668L, T637L, T643L, T663L, T635L, T631L, T656L.
Identifiers: ClinVar variation 2945551 (VCV002945551.3), dbSNP rs2509191384, ClinGen allele CA2740095340.
Genomic context (GRCh38, chr17:42,322,395, plus strand): 5'-AATGCCTCCTCCTTGGGAATGTCAGGATAGAGATAGACCAGTGGAGACACCAGGATATTG[GT>AG]AGCATCCATGATCTTATAGCCCATGATGATTTCAGCAAATGACATGTTGTTCAGCTGCTG-3'
Protein context (NP_644805.1, residues 653-673): IIMGYKIMDA[Thr663Leu]NILVSPLVYL

ClinVar aggregate classification (germline): Uncertain significance (1 of 4 stars; one submission).

Conditions:
Hyper-IgE recurrent infection syndrome 1, autosomal dominant. Also called: JOB SYNDROME; Job's Syndrome; STAT3 Hyper IgE Syndrome; Hyper-IgE recurrent infection syndrome 1; HYPER-IgE SYNDROME 1, AUTOSOMAL DOMINANT, WITH RECURRENT INFECTIONS. Identifiers: Orphanet 2314, MedGen C2936739, MONDO:0007818, OMIM 147060.
STAT3 gain of function. Identifiers: MedGen C4288261.

Submission:

Labcorp Genetics (formerly Invitae), Labcorp
Classification: Uncertain significance for STAT3 gain of function; Hyper-IgE recurrent infection syndrome 1, autosomal dominant. Last evaluated: 2023-03-20. Review status: criteria provided, single submitter. Criteria: Invitae Variant Classification Sherloc (09022015). Collection method: clinical testing. Allele origin: germline.
Comment: In summary, the available evidence is currently insufficient to determine the role of this variant in disease. Therefore, it has been classified as a Variant of Uncertain Significance. An algorithm developed to predict the effect of missense changes on protein structure and function (PolyPhen-2) suggests that this variant is likely to be disruptive. This variant has not been reported in the literature in individuals affected with STAT3-related conditions. Information on the frequency of this variant in the gnomAD database is not available, as this variant may be reported differently in the database. This sequence change replaces threonine, which is neutral and polar, with leucine, which is neutral and non-polar, at codon 663 of the STAT3 protein (p.Thr663Leu).